The following is an entry in ClinVar:

NM_181712.5(KANK4):c.2157C>A (p.Gly719=)

Gene: KANK4 (KN motif and ankyrin repeat domains 4; minus strand). Cytogenetic location: 1p31.3.
Variant type: single nucleotide variant.
Coding change: c.2157C>A on transcript NM_181712.5 (MANE Select); coding-DNA position 2157, C replaced by A.
Protein change: p.Gly719=; no amino-acid change (glycine 719 retained).
Molecular consequence: synonymous variant.
Genome position (GRCh38, 1-based): chr1:62,268,361, G>T on the plus strand (C>A on the coding strand, the complement: KANK4 is on the minus strand). VCF-style: chr1-62268361-G-T. GRCh37 (hg19) VCF-style: chr1-62734033-G-T.
Other names: c.273C>A, p.Gly91= (NM_001320269.2).
Identifiers: ClinVar variation 1316621 (VCV001316621.12), dbSNP rs141699992, ClinGen allele CA884199.

ClinVar aggregate classification (germline): Benign/Likely benign. Review status: criteria provided, multiple submitters, no conflicts (2 of 4 stars). 4 submissions from 4 submitters: Benign (1); Likely benign (2). 1 of the submissions does not count toward it. Last evaluated 2025-10-13.

Conditions:
KANK4-related disorder. Also called: KANK4-related condition.

Allele frequency attached by ClinVar (database versions not stated): gnomAD exomes 0.00021; ExAC 0.00026; 1000 Genomes Project 0.00040; 1000 Genomes Project 30x 0.00047; ESP Exome Variant Server 0.00077; TOPMed 0.00094.
gnomAD v4.1: 230 of 1,614,070 alleles (0.014%); highest among the groups gnomAD compares: African/African-American, 0.28%; no homozygotes.

Submissions (4):

Labcorp Genetics (formerly Invitae), Labcorp
Classification: Benign. Last evaluated: 2025-10-13. Review status: criteria provided, single submitter. Criteria: Invitae Variant Classification Sherloc (09022015). Collection method: clinical testing. Allele origin: germline.

Blueprint Genetics
Classification: Likely benign. Last evaluated: 2024-07-19. Review status: criteria provided, single submitter. Criteria: ACMG Guidelines, 2015. Collection method: clinical testing. Allele origin: germline.

GeneDx
Classification: Likely benign. Last evaluated: 2020-01-27. Review status: criteria provided, single submitter. Criteria: GeneDx Variant Classification Process June 2021. Collection method: clinical testing. Allele origin: germline. Affected: yes.

PreventionGenetics, part of Exact Sciences
Classification: Likely benign for KANK4-related condition. Last evaluated: 2019-09-10. Review status: no assertion criteria provided. Collection method: clinical testing. Allele origin: germline. Not counted in ClinVar's aggregate classification.
Comment: This variant is classified as likely benign based on ACMG/AMP sequence variant interpretation guidelines (Richards et al. 2015 PMID: 25741868, with internal and published modifications).